The following is an entry in ClinVar:

ClinVar aggregate classification (germline): Uncertain significance (1 of 4 stars; one submission).

Submission:

CeGaT Center for Human Genetics Tuebingen
Classification: Uncertain significance. Last evaluated: 2022-05-01. Review status: criteria provided, single submitter. Criteria: CeGaT Center For Human Genetics Tuebingen Variant Classification Criteria Version 2. Collection method: clinical testing. Allele origin: germline. Affected: yes. Observed: 1 variant allele.
Comment: DES: PM2

NM_001927.4(DES):c.1297C>T (p.Pro433Ser)

Gene: DES (desmin; plus strand). Cytogenetic location: 2q35.
Variant type: single nucleotide variant.
Coding change: c.1297C>T on transcript NM_001927.4 (MANE Select); coding-DNA position 1297, C replaced by T.
Protein change: p.Pro433Ser; replaces proline 433 with serine.
Molecular consequence: missense variant.
Genome position (GRCh38, 1-based): chr2:219,425,671, C>T. VCF-style: chr2-219425671-C-T. GRCh37 (hg19) VCF-style: chr2-220290393-C-T.
Other names: c.1294C>T, p.Pro432Ser (NM_001382708.1); c.865C>T, p.Pro289Ser (NM_001382709.1); c.1228C>T, p.Pro410Ser (NM_001382710.1); c.1276C>T, p.Pro426Ser (NM_001382711.1); c.1297C>T, p.Pro433Ser (NM_001382712.1); c.1027C>T, p.Pro343Ser (NM_001382713.1); short protein forms P289S, P343S, P410S, P426S, P432S, P433S.
Identifiers: ClinVar variation 2651920 (VCV002651920.24), dbSNP rs869025381, ClinGen allele CA350698320.
Genomic context (GRCh38, chr2:219,425,671, plus strand): 5'-ATAGCCCAGCCTGGACTTGGTCAGGCTGAGTGTGCGATGGACCCTGTTACAGAAACCAGC[C>T]CTGAGCAAAGGGGTTCTGAGGTCCATACCAAGAAGACGGTGATGATCAAGACCATCGAGA-3'
Protein context (NP_001918.3, residues 423-443): YSALNFRETS[Pro433Ser]EQRGSEVHTK